The following is an entry in ClinVar:

ClinVar aggregate classification (germline): Uncertain significance (1 of 4 stars; one submission).

Allele frequency attached by ClinVar (database versions not stated): gnomAD exomes below 0.00001; ExAC 0.00001; gnomAD 0.00001; TOPMed 0.00001.
gnomAD v4.1: 2 of 1,614,038 alleles (0.00012%); highest among the groups gnomAD compares: African/African-American, 0.0027%; no homozygotes.

Submission:

Labcorp Genetics (formerly Invitae), Labcorp
Classification: Uncertain significance. Last evaluated: 2021-06-02. Review status: criteria provided, single submitter. Criteria: Invitae Variant Classification Sherloc (09022015). Collection method: clinical testing. Allele origin: germline.
Comment: In summary, the available evidence is currently insufficient to determine the role of this variant in disease. Therefore, it has been classified as a Variant of Uncertain Significance. Algorithms developed to predict the effect of missense changes on protein structure and function are either unavailable or do not agree on the potential impact of this missense change (SIFT: "Deleterious"; PolyPhen-2: "Benign"; Align-GVGD: "Class C0"). This variant has not been reported in the literature in individuals with DNASE1L3-related conditions. This variant is present in population databases (rs777073900, ExAC 0.01%). This sequence change replaces methionine with isoleucine at codon 21 of the DNASE1L3 protein (p.Met21Ile). The methionine residue is weakly conserved and there is a small physicochemical difference between methionine and isoleucine.

NM_004944.4(DNASE1L3):c.63G>A (p.Met21Ile)

Gene: DNASE1L3 (deoxyribonuclease 1L3; minus strand). Cytogenetic location: 3p14.3.
Variant type: single nucleotide variant.
Coding change: c.63G>A on transcript NM_004944.4 (MANE Select); coding-DNA position 63, G replaced by A.
Protein change: p.Met21Ile; replaces methionine 21 with isoleucine.
Molecular consequence: missense variant.
Genome position (GRCh38, 1-based): chr3:58,210,844, C>T on the plus strand (G>A on the coding strand, the complement: DNASE1L3 is on the minus strand). VCF-style: chr3-58210844-C-T. GRCh37 (hg19) VCF-style: chr3-58196571-C-T.
Other names: c.63G>A, p.Met21Ile (NM_001256560.2); short protein forms M21I.
Identifiers: ClinVar variation 1399001 (VCV001399001.8), dbSNP rs777073900, ClinGen allele CA2470137.